The following is an entry in ClinVar:

ClinVar aggregate classification (germline): Likely benign. Review status: criteria provided, single submitter (1 of 4 stars). 2 submissions from 2 submitters: Likely benign (1). 1 of the submissions does not count toward it. Last evaluated 2025-11-11.

Conditions:
Paget disease of bone 2, early-onset (PDB2). Also called: Paget disease of bone 2. Identifiers: MedGen C4085251, MONDO:0011183, OMIM 602080.
Frontotemporal dementia and/or amyotrophic lateral sclerosis 1 (FTDALS1). Also called: C9orf72 Frontotemporal Dementia and/or Amyotrophic Lateral Sclerosis; Frontotemporal dementia with motor neuron disease 1. Identifiers: Orphanet 275872, MedGen C5779877, MONDO:0007105, OMIM 105550.
SQSTM1-related disorder. Also called: SQSTM1-Related Disorders.

Allele frequency attached by ClinVar (database versions not stated): gnomAD 0.00001; TOPMed 0.00002; gnomAD exomes 0.00003 and 0.00004; ExAC 0.00004.
gnomAD v4.1: 52 of 1,614,088 alleles (0.0032%); highest among the groups gnomAD compares: Middle Eastern, 0.016%; no homozygotes.

Submissions (2):

Labcorp Genetics (formerly Invitae), Labcorp
Classification: Likely benign for Paget disease of bone 2, early-onset; Frontotemporal dementia and/or amyotrophic lateral sclerosis 1. Last evaluated: 2025-11-11. Review status: criteria provided, single submitter. Criteria: Invitae Variant Classification Sherloc (09022015). Collection method: clinical testing. Allele origin: germline.

PreventionGenetics, part of Exact Sciences
Classification: Likely benign for SQSTM1-related condition. Last evaluated: 2023-09-05. Review status: no assertion criteria provided. Collection method: clinical testing. Allele origin: germline. Not counted in ClinVar's aggregate classification.
Comment: This variant is classified as likely benign based on ACMG/AMP sequence variant interpretation guidelines (Richards et al. 2015 PMID: 25741868, with internal and published modifications).

NM_003900.5(SQSTM1):c.807C>G (p.Thr269=)

Gene: SQSTM1 (sequestosome 1; plus strand). Cytogenetic location: 5q35.3.
Variant type: single nucleotide variant.
Coding change: c.807C>G on transcript NM_003900.5 (MANE Select); coding-DNA position 807, C replaced by G.
Protein change: p.Thr269=; no amino-acid change (threonine 269 retained).
Molecular consequence: synonymous variant.
Genome position (GRCh38, 1-based): chr5:179,833,084, C>G. VCF-style: chr5-179833084-C-G. GRCh37 (hg19) VCF-style: chr5-179260084-C-G.
Other names: c.555C>G, p.Thr185= (NM_001142298.2, NM_001142299.2); c.807C>G (NM_003900.4).
Identifiers: ClinVar variation 1625371 (VCV001625371.10), dbSNP rs779544030, ClinGen allele CA3600692.
Genomic context (GRCh38, chr5:179,833,084, plus strand): 5'-GCCTCTAGGCATTGAAGTTGATATCGATGTGGAGCACGGAGGGAAAAGAAGCCGCCTGAC[C>G]CCCGTCTCTCCAGAGAGTTCCAGCACAGAGGAGAAGAGCAGCTCACAGCCAAGCAGCTGC-3'
Protein context (NP_003891.1, residues 259-279): VEHGGKRSRL[Thr269=]PVSPESSSTE